The following is an entry in ClinVar:

NM_170707.4(LMNA):c.1728C>T (p.Pro576=)

Gene: LMNA (lamin A/C; plus strand). Cytogenetic location: 1q22.
Variant type: single nucleotide variant.
Coding change: c.1728C>T on transcript NM_170707.4 (MANE Select); coding-DNA position 1728, C replaced by T.
Protein change: p.Pro576=; no amino-acid change (proline 576 retained).
Molecular consequence: synonymous variant.
Genome position (GRCh38, 1-based): chr1:156,138,517, C>T. VCF-style: chr1-156138517-C-T. GRCh37 (hg19) VCF-style: chr1-156108308-C-T.
Other names: c.1392C>T, p.Pro464= (NM_001257374.3); c.1728C>T, p.Pro576= (NM_001282626.2); c.1638C>T, p.Pro546= (NM_170708.4).
Identifiers: ClinVar variation 927413 (VCV000927413.20), dbSNP rs767783294, ClinGen allele CA051181.

ClinVar aggregate classification (germline): Likely benign. Review status: criteria provided, multiple submitters, no conflicts (2 of 4 stars). 8 submissions from 8 submitters: Likely benign (5). 3 of the submissions do not count toward it. Last evaluated 2025-11-18.

Conditions:
Charcot-Marie-Tooth disease type 2. Also called: Charcot-Marie-Tooth type 2. Identifiers: Orphanet 64746, MedGen C0270914, MONDO:0018993.
Cardiomyopathy (CMYO). Also called: Cardiomyopathies. Identifiers: Orphanet 167848, MedGen C0878544, MONDO:0004994, HP:0001638. Inheritance: Various modes of inheritance.
Cardiovascular phenotype. Identifiers: MedGen CN230736.
Primary dilated cardiomyopathy (DCM). Also called: Dilated Cardiomyopathy. Identifiers: Orphanet 217604, MedGen C0007193, MeSH D002311, MONDO:0005021, HP:0001644. Inheritance: Various modes of inheritance.

Allele frequency attached by ClinVar (database versions not stated): gnomAD 0.00001; gnomAD exomes 0.00003 and 0.00004; ExAC 0.00004.
gnomAD v4.1: 57 of 1,612,456 alleles (0.0035%); highest among the groups gnomAD compares: Middle Eastern, 0.016%; no homozygotes.

Submissions (8):

Labcorp Genetics (formerly Invitae), Labcorp
Classification: Likely benign for Charcot-Marie-Tooth disease type 2. Last evaluated: 2025-11-18. Review status: criteria provided, single submitter. Criteria: Invitae Variant Classification Sherloc (09022015). Collection method: clinical testing. Allele origin: germline.

All of Us Research Program, National Institutes of Health
Classification: Likely benign for Primary dilated cardiomyopathy. Last evaluated: 2024-09-11. Review status: criteria provided, single submitter. Criteria: ACMG Guidelines, 2015. Collection method: clinical testing. Allele origin: germline. Inheritance: Autosomal dominant inheritance. Observed: 6 variant alleles, 6 heterozygotes.
Comment: This study involves interpretation of variants in research participants for the purpose of population health screening. Participant phenotype was not available at the time of variant classification. Additional details can be found in publication PMID: 35346344, PMCID: PMC8962531

Blueprint Genetics
Classification: Likely benign. Last evaluated: 2024-08-19. Review status: criteria provided, single submitter. Criteria: ACMG Guidelines, 2015. Collection method: clinical testing. Allele origin: germline.

Ambry Genetics
Classification: Likely benign for Cardiovascular phenotype. Last evaluated: 2020-02-08. Review status: criteria provided, single submitter. Criteria: Ambry Variant Classification Scheme 2023. Collection method: clinical testing. Allele origin: germline.

Color Diagnostics, LLC DBA Color Health
Classification: Likely benign for Cardiomyopathy. Last evaluated: 2018-11-09. Review status: criteria provided, single submitter. Criteria: ACMG Guidelines, 2015. Collection method: clinical testing. Allele origin: germline.

Clinical Genetics, Academic Medical Center
Classification: Benign. Review status: no assertion criteria provided. Collection method: clinical testing. Allele origin: germline. Affected: yes. Study: VKGL Data-share Consensus. Not counted in ClinVar's aggregate classification.

Genome Diagnostics Laboratory, University Medical Center Utrecht
Classification: Likely benign. Review status: no assertion criteria provided. Collection method: clinical testing. Allele origin: germline. Affected: yes. Study: VKGL Data-share Consensus. Not counted in ClinVar's aggregate classification.

Joint Genome Diagnostic Labs from Nijmegen and Maastricht, Radboudumc and MUMC+
Classification: Likely benign. Review status: no assertion criteria provided. Collection method: clinical testing. Allele origin: germline. Affected: yes. Study: VKGL Data-share Consensus. Not counted in ClinVar's aggregate classification.